The following is an entry in ClinVar:

ClinVar aggregate classification (germline): Uncertain significance (1 of 4 stars; one submission).

Conditions:
Dyskeratosis congenita, autosomal dominant 1 (DKCA1). Also called: Dyskeratosis congenita Scoggins type. Identifiers: Orphanet 1775, MedGen C4551974, MONDO:0007485, OMIM 127550. Inheritance: Variable.

Allele frequency attached by ClinVar (database versions not stated): gnomAD 0.00001; gnomAD exomes 0.00001.
gnomAD v4.1: 5 of 731,830 alleles (0.00068%); highest among the groups gnomAD compares: East Asian, 0.0076%; no homozygotes.

Submission:

Labcorp Genetics (formerly Invitae), Labcorp
Classification: Uncertain significance for Dyskeratosis congenita, autosomal dominant 1. Last evaluated: 2025-09-10. Review status: criteria provided, single submitter. Criteria: Invitae Variant Classification Sherloc (09022015). Collection method: clinical testing. Allele origin: germline.
Comment: This variant occurs in the TERC gene, which encodes an RNA molecule that does not result in a protein product. The frequency data for this variant in the population databases is considered unreliable, as metrics indicate poor data quality at this position in the gnomAD database. This variant has not been reported in the literature in individuals affected with TERC-related conditions. ClinVar contains an entry for this variant (Variation ID: 656256). This variant is located within the conserved regions 4 and 5 (CR4-CR5) domain of the TERC RNA component, which is required for telomerase activity (PMID: 15082312, 21844345). In summary, the available evidence is currently insufficient to determine the role of this variant in disease. Therefore, it has been classified as a Variant of Uncertain Significance.

Literature cited by the submitters: PubMed 15082312; PubMed 21844345.

NC_000003.12:g.169764796G>A

Genes: TERC (telomerase RNA component; minus strand), LOC110806306 (telomerase RNA component (TERC) promoter; plus strand). Cytogenetic location: 3q26.2.
Variant type: single nucleotide variant.
Genome position: GRCh38 VCF-style: chr3-169764796-G-A. GRCh37 (hg19) VCF-style: chr3-169482584-G-A.
Identifiers: ClinVar variation 656256 (VCV000656256.9), dbSNP rs1167306715, ClinGen allele CA436715226.